The following is an entry in ClinVar:

NM_001378615.1(CC2D2A):c.4303_4314+1del

Genes: CC2D2A (coiled-coil and C2 domain containing 2A; plus strand), FBXL5 (F-box and leucine rich repeat protein 5; minus strand). Cytogenetic location: 4p15.32.
Variant type: Deletion.
Coding change: c.4303_4314+1del on transcript NM_001378615.1 (MANE Select); coding-DNA position 4303 through the canonical splice donor site of the intron after coding-DNA position 4314, 13 bases deleted (GGTCCTGACAATG).
Molecular consequence: splice donor variant.
Genome position (GRCh38, 1-based): chr4:15,589,668-15,589,680, GGTCCTGACAATG deleted. VCF-style (leftmost placement, unchanged base first): chr4-15589667-AGGTCCTGACAATG-A. GRCh37 (hg19) VCF-style: chr4-15591290-AGGTCCTGACAATG-A.
Other names: c.4303_4314+1del (NM_001080522.2); c.4156_4167+1del (NM_001378617.1).
Identifiers: ClinVar variation 2932327 (VCV002932327.3), dbSNP rs2475128123, ClinGen allele CA438391007.
Genomic context (GRCh38, chr4:15,589,667, plus strand): 5'-TGGACATTTTTATGGACAATTTGATACATTCTGTCCCTTGAAAAATGTGGGCTGTTTAAT[AGGTCCTGACAATG>A]TAAGTATTAACATTTCTTCTTAAATATGGTTAGCTGTCGTTTCTTTTAAATAACTGACCT-3'

ClinVar aggregate classification (germline): Likely pathogenic (1 of 4 stars; one submission).

Conditions:
Joubert syndrome. Also called: JOUBERT-BOLTSHAUSER SYNDROME; Familial aplasia of the vermis. Identifiers: Orphanet 475, MedGen C5979921, MONDO:0018772.
Meckel-Gruber syndrome. Also called: DYSENCEPHALIA SPLANCHNOCYSTICA; GRUBER SYNDROME; Dysencephalia splachnocystica. Identifiers: Orphanet 564, MedGen C0265215, MONDO:0018921.

Allele frequency attached by ClinVar (database versions not stated): gnomAD exomes below 0.00001.

Submission:

Labcorp Genetics (formerly Invitae), Labcorp
Classification: Likely pathogenic for Joubert syndrome; Meckel-Gruber syndrome. Last evaluated: 2024-10-21. Review status: criteria provided, single submitter. Criteria: Invitae Variant Classification Sherloc (09022015). Collection method: clinical testing. Allele origin: germline.
Comment: This variant results in the deletion of part of exon 34 (c.4303_4314+1del) of the CC2D2A gene. It is expected to disrupt RNA splicing. Variants that disrupt the donor or acceptor splice site typically lead to a loss of protein function (PMID: 16199547), and loss-of-function variants in CC2D2A are known to be pathogenic (PMID: 19777577). This variant is not present in population databases (gnomAD no frequency). This variant has not been reported in the literature in individuals affected with CC2D2A-related conditions. In summary, the currently available evidence indicates that the variant is pathogenic, but additional data are needed to prove that conclusively. Therefore, this variant has been classified as Likely Pathogenic.

Literature cited by the submitters: PubMed 16199547; PubMed 19777577.